The following is an entry in ClinVar:

NM_005633.4(SOS1):c.1277A>G (p.Gln426Arg)

Gene: SOS1 (SOS Ras/Rac guanine nucleotide exchange factor 1; minus strand). Cytogenetic location: 2p22.1.
Variant type: single nucleotide variant.
Coding change: c.1277A>G on transcript NM_005633.4 (MANE Select); coding-DNA position 1277, A replaced by G.
Protein change: p.Gln426Arg; replaces glutamine 426 with arginine.
Molecular consequence: missense variant.
Genome position (GRCh38, 1-based): chr2:39,023,151, T>C on the plus strand (A>G on the coding strand, the complement: SOS1 is on the minus strand). VCF-style: chr2-39023151-T-C. GRCh37 (hg19) VCF-style: chr2-39250292-T-C.
Other names: c.1256A>G, p.Gln419Arg (NM_001382394.1); c.1277A>G, p.Gln426Arg (NM_001382395.1); short protein forms Q426R, Q419R.
Identifiers: ClinVar variation 3631685 (VCV003631685.2).

ClinVar aggregate classification (germline): Uncertain significance (1 of 4 stars; one submission).

Conditions:
RASopathy. Also called: Noonan spectrum disorder; rasopathies. Identifiers: Orphanet 536391, MedGen C5555857, MONDO:0021060.

Submission:

Labcorp Genetics (formerly Invitae), Labcorp
Classification: Uncertain significance for RASopathy. Last evaluated: 2025-01-22. Review status: criteria provided, single submitter. Criteria: Invitae Variant Classification Sherloc (09022015). Collection method: clinical testing. Allele origin: germline.
Comment: This sequence change replaces glutamine, which is neutral and polar, with arginine, which is basic and polar, at codon 426 of the SOS1 protein (p.Gln426Arg). This variant is not present in population databases (gnomAD no frequency). This variant has not been reported in the literature in individuals affected with SOS1-related conditions. Invitae Evidence Modeling of protein sequence and biophysical properties (such as structural, functional, and spatial information, amino acid conservation, physicochemical variation, residue mobility, and thermodynamic stability) has been performed for this missense variant. However, the output from this modeling did not meet the statistical confidence thresholds required to predict the impact of this variant on SOS1 protein function. In summary, the available evidence is currently insufficient to determine the role of this variant in disease. Therefore, it has been classified as a Variant of Uncertain Significance.